The following is an entry in ClinVar:

ClinVar aggregate classification (germline): Uncertain significance (1 of 4 stars; one submission).

gnomAD v4.1: 7 of 1,614,100 alleles (0.00043%); highest among the groups gnomAD compares: Admixed American, 0.012%; no homozygotes.

Submission:

Labcorp Genetics (formerly Invitae), Labcorp
Classification: Uncertain significance. Last evaluated: 2024-12-12. Review status: criteria provided, single submitter. Criteria: Invitae Variant Classification Sherloc (09022015). Collection method: clinical testing. Allele origin: germline.
Comment: This sequence change falls in intron 10 of the DLL1 gene. It does not directly change the encoded amino acid sequence of the DLL1 protein. It affects a nucleotide within the consensus splice site. This variant is present in population databases (no rsID available, gnomAD 0.003%). This variant has not been reported in the literature in individuals affected with DLL1-related conditions. Variants that disrupt the consensus splice site are a relatively common cause of aberrant splicing (PMID: 17576681, 9536098). Algorithms developed to predict the effect of sequence changes on RNA splicing suggest that this variant may disrupt the consensus splice site. In summary, the available evidence is currently insufficient to determine the role of this variant in disease. Therefore, it has been classified as a Variant of Uncertain Significance.

Literature cited by the submitters: PubMed 17576681; PubMed 9536098.

NM_005618.4(DLL1):c.2166+6T>C

Genes: DLL1 (delta like canonical Notch ligand 1; minus strand), LOC126859913 (P300/CBP strongly-dependent group 1 enhancer GRCh37_chr6:170591232-170592431; plus strand). Cytogenetic location: 6q27.
Variant type: single nucleotide variant.
Coding change: c.2166+6T>C on transcript NM_005618.4 (MANE Select); 6 bases into the intron after coding-DNA position 2166, T replaced by C.
Molecular consequence: intron variant.
Genome position (GRCh38, 1-based): chr6:170,282,982, A>G on the plus strand (T>C on the coding strand, the complement: DLL1 is on the minus strand). VCF-style: chr6-170282982-A-G. GRCh37 (hg19) VCF-style: chr6-170592070-A-G.
Identifiers: ClinVar variation 3716884 (VCV003716884.2).
Genomic context (GRCh38, chr6:170,282,982, plus strand): 5'-TTCCCGTGCTCCAGCTTCAGGTGCTCCCATGCCGAGGAGGAGGGAGCGGCTGCTGCCTGC[A>G]CTGACCTCAGTTGCTATGACGCACTCATCCTTCTCCTCGGATATGACGTACACCGACTGG-3'